The following is an entry in ClinVar:

NM_172351.3(CD46):c.583C>G (p.Pro195Ala)

Gene: CD46 (CD46 molecule; plus strand). Cytogenetic location: 1q32.2.
Variant type: single nucleotide variant.
Coding change: c.583C>G on transcript NM_172351.3 (MANE Select); coding-DNA position 583, C replaced by G.
Protein change: p.Pro195Ala; replaces proline 195 with alanine.
Molecular consequence: missense variant.
Genome position (GRCh38, 1-based): chr1:207,761,356, C>G. VCF-style: chr1-207761356-C-G. GRCh37 (hg19) VCF-style: chr1-207934701-C-G.
Other names: c.583C>G, p.Pro195Ala (NM_002389.4, NM_153826.4, NM_172350.3 and 8 more transcripts); short protein forms P195A.
Identifiers: ClinVar variation 4291156 (VCV004291156.2).
Genomic context (GRCh38, chr1:207,761,356, plus strand): 5'-TTTAGTGAAGTAGAAGTATTTGAGTATCTTGATGCAGTAACTTATAGTTGTGATCCTGCA[C>G]CTGGACCAGATCCATTTTCACTTATTGGAGAGAGCACGATTTATTGTGGTGACAATTCAG-3'
Protein context (NP_758861.1, residues 185-205): DAVTYSCDPA[Pro195Ala]GPDPFSLIGE

ClinVar aggregate classification (germline): Uncertain significance (1 of 4 stars; one submission).

Conditions:
Atypical hemolytic-uremic syndrome. Identifiers: Orphanet 2134, MedGen C2931788, MONDO:0016244.

Submission:

Genomenon, Inc
Classification: Uncertain significance for Atypical hemolytic-uremic syndrome. Last evaluated: 2026-09-17. Review status: criteria provided, single submitter. Criteria: Genomenon Sequence Variant Interpretation Standards - Updated. Collection method: curation. Allele origin: germline. Affected: no.
Comment: CD46 p.Pro195Ala (c.583C>G) is a missense variant that changes the amino acid at codon 195 from proline to alanine. This variant has been reported in the published literature (PMID:10960475). It is absent or not present at a significant frequency in gnomAD. In silico models predict that this variant is possibly or probably damaging. In conclusion, we classify CD46 p.Pro195Ala (c.583C>G) as a variant of uncertain significance.

Literature cited by the submitters: PubMed 10960475.